The following is an entry in ClinVar:

ClinVar aggregate classification (germline): Uncertain significance (1 of 4 stars; one submission).

Conditions:
Hereditary cancer-predisposing syndrome. Also called: Hereditary Cancer Syndrome; Hereditary neoplastic syndrome; Neoplastic Syndromes, Hereditary; Tumor predisposition. Identifiers: Orphanet 140162, MedGen C0027672, MeSH D009386, MONDO:0015356.

Submission:

Ambry Genetics
Classification: Uncertain significance for Hereditary cancer-predisposing syndrome. Last evaluated: 2025-10-22. Review status: criteria provided, single submitter. Criteria: Ambry Variant Classification Scheme 2023. Collection method: clinical testing. Allele origin: germline.
Comment: The p.T343S variant (also known as c.1027A>T), located in coding exon 4 of the BARD1 gene, results from an A to T substitution at nucleotide position 1027. The threonine at codon 343 is replaced by serine, an amino acid with similar properties. This amino acid position is not well conserved in available vertebrate species. In addition, this alteration is predicted to be tolerated by in silico analysis. Since supporting evidence is limited at this time, the clinical significance of this alteration remains unclear.

NM_000465.4(BARD1):c.1027A>T (p.Thr343Ser)

Gene: BARD1 (BRCA1 associated RING domain 1; minus strand). Cytogenetic location: 2q35.
Variant type: single nucleotide variant.
Coding change: c.1027A>T on transcript NM_000465.4 (MANE Select); coding-DNA position 1027, A replaced by T.
Protein change: p.Thr343Ser; replaces threonine 343 with serine.
Molecular consequence: missense variant. On other transcripts: non-coding transcript variant (2), intron variant (3).
Genome position (GRCh38, 1-based): chr2:214,780,847, T>A on the plus strand (A>T on the coding strand, the complement: BARD1 is on the minus strand). VCF-style: chr2-214780847-T-A. GRCh37 (hg19) VCF-style: chr2-215645571-T-A.
Other names: c.970A>T, p.Thr324Ser (NM_001282543.2); c.159-28292A>T (NM_001282548.2); c.215+16214A>T (NM_001282545.2); c.364+11450A>T (NM_001282549.2); short protein forms T343S, T324S.
Identifiers: ClinVar variation 1769863 (VCV001769863.3), dbSNP rs2106109159, ClinGen allele CA350454288.